The following is an entry in ClinVar:

NM_024675.4(PALB2):c.1903G>C (p.Val635Leu)

Gene: PALB2 (partner and localizer of BRCA2; minus strand). Cytogenetic location: 16p12.2.
Variant type: single nucleotide variant.
Coding change: c.1903G>C on transcript NM_024675.4 (MANE Select); coding-DNA position 1903, G replaced by C.
Protein change: p.Val635Leu; replaces valine 635 with leucine.
Molecular consequence: missense variant. On other transcripts: intron variant (1).
Genome position (GRCh38, 1-based): chr16:23,630,251, C>G on the plus strand (G>C on the coding strand, the complement: PALB2 is on the minus strand). VCF-style: chr16-23630251-C-G. GRCh37 (hg19) VCF-style: chr16-23641572-C-G.
Other names: c.1843G>C, p.Val615Leu (NM_001407296.1); c.1903G>C, p.Val635Leu (NM_001407297.1, NM_001407298.1, NM_001407299.1 and 3 more transcripts); c.1018G>C, p.Val340Leu (NM_001407304.1, NM_001407305.1, NM_001407306.1 and 5 more transcripts); c.115G>C, p.Val39Leu (NM_001407312.1, NM_001407313.1); c.49-976G>C (NM_001407314.1); short protein forms V340L, V39L, V615L, V635L.
Identifiers: ClinVar variation 2778038 (VCV002778038.4), dbSNP rs776389696, ClinGen allele CA395127571.

ClinVar aggregate classification (germline): Uncertain significance. Review status: criteria provided, multiple submitters, no conflicts (2 of 4 stars). 2 submissions from 2 submitters: Uncertain significance (2). Last evaluated 2025-11-26.

Conditions:
Familial cancer of breast. Also called: Hereditary breast cancer; BREAST CANCER, FAMILIAL; hereditary breast carcinoma. Identifiers: Orphanet 227535, MedGen C0346153, MONDO:0016419, OMIM 114480. Disease mechanism: loss of function.
Hereditary cancer-predisposing syndrome. Also called: Neoplastic Syndromes, Hereditary; Tumor predisposition; Hereditary Cancer Syndrome; Hereditary neoplastic syndrome. Identifiers: Orphanet 140162, MedGen C0027672, MeSH D009386, MONDO:0015356.

Submissions (2):

Ambry Genetics
Classification: Uncertain significance for Hereditary cancer-predisposing syndrome. Last evaluated: 2025-11-26. Review status: criteria provided, single submitter. Criteria: Ambry Variant Classification Scheme 2023. Collection method: clinical testing. Allele origin: germline.
Comment: The p.V635L variant (also known as c.1903G>C), located in coding exon 5 of the PALB2 gene, results from a G to C substitution at nucleotide position 1903. The valine at codon 635 is replaced by leucine, an amino acid with highly similar properties. This amino acid position is conserved. In addition, this alteration is predicted to be tolerated by in silico analysis. Based on the available evidence, the clinical significance of this variant remains unclear.

Labcorp Genetics (formerly Invitae), Labcorp
Classification: Uncertain significance for Familial cancer of breast. Last evaluated: 2024-01-19. Review status: criteria provided, single submitter. Criteria: Invitae Variant Classification Sherloc (09022015). Collection method: clinical testing. Allele origin: germline.
Comment: This sequence change replaces valine, which is neutral and non-polar, with leucine, which is neutral and non-polar, at codon 635 of the PALB2 protein (p.Val635Leu). This variant is not present in population databases (gnomAD no frequency). This variant has not been reported in the literature in individuals affected with PALB2-related conditions. Advanced modeling of protein sequence and biophysical properties (such as structural, functional, and spatial information, amino acid conservation, physicochemical variation, residue mobility, and thermodynamic stability) performed at Invitae indicates that this missense variant is not expected to disrupt PALB2 protein function with a negative predictive value of 80%. In summary, the available evidence is currently insufficient to determine the role of this variant in disease. Therefore, it has been classified as a Variant of Uncertain Significance.